The following is an entry in ClinVar:

ClinVar aggregate classification (germline): Uncertain significance (1 of 4 stars; one submission).

Allele frequency attached by ClinVar (database versions not stated): TOPMed below 0.00001.
gnomAD v4.1: 3 of 1,614,038 alleles (0.00019%); no homozygotes.

Submission:

Labcorp Genetics (formerly Invitae), Labcorp
Classification: Uncertain significance. Last evaluated: 2022-11-10. Review status: criteria provided, single submitter. Criteria: Invitae Variant Classification Sherloc (09022015). Collection method: clinical testing. Allele origin: germline.
Comment: This sequence change replaces asparagine, which is neutral and polar, with histidine, which is basic and polar, at codon 511 of the ASXL2 protein (p.Asn511His). This variant is not present in population databases (gnomAD no frequency). This variant has not been reported in the literature in individuals affected with ASXL2-related conditions. Advanced modeling of protein sequence and biophysical properties (such as structural, functional, and spatial information, amino acid conservation, physicochemical variation, residue mobility, and thermodynamic stability) performed at Invitae indicates that this missense variant is not expected to disrupt ASXL2 protein function. In summary, the available evidence is currently insufficient to determine the role of this variant in disease. Therefore, it has been classified as a Variant of Uncertain Significance.

NM_018263.6(ASXL2):c.1531A>C (p.Asn511His)

Gene: ASXL2 (ASXL transcriptional regulator 2; minus strand). Cytogenetic location: 2p23.3.
Variant type: single nucleotide variant.
Coding change: c.1531A>C on transcript NM_018263.6 (MANE Select); coding-DNA position 1531, A replaced by C.
Protein change: p.Asn511His; replaces asparagine 511 with histidine.
Molecular consequence: missense variant.
Genome position (GRCh38, 1-based): chr2:25,750,025, T>G on the plus strand (A>C on the coding strand, the complement: ASXL2 is on the minus strand). VCF-style: chr2-25750025-T-G. GRCh37 (hg19) VCF-style: chr2-25972894-T-G.
Other names: c.1357A>C, p.Asn453His (NM_001369346.1); c.751A>C, p.Asn251His (NM_001369347.1); short protein forms N453H, N511H, N251H.
Identifiers: ClinVar variation 2989554 (VCV002989554.3), dbSNP rs368686704, ClinGen allele CA43704468.